The following is an entry in ClinVar:

NM_053025.4(MYLK):c.1359C>G (p.Pro453=)

Gene: MYLK (myosin light chain kinase; minus strand). Cytogenetic location: 3q21.1.
Variant type: single nucleotide variant.
Coding change: c.1359C>G on transcript NM_053025.4 (MANE Select); coding-DNA position 1359, C replaced by G.
Protein change: p.Pro453=; no amino-acid change (proline 453 retained).
Molecular consequence: synonymous variant. On other transcripts: intron variant (2).
Genome position (GRCh38, 1-based): chr3:123,733,053, G>C on the plus strand (C>G on the coding strand, the complement: MYLK is on the minus strand). VCF-style: chr3-123733053-G-C. GRCh37 (hg19) VCF-style: chr3-123451900-G-C.
Other names: c.831C>G, p.Pro277= (NM_001321309.2); c.1359C>G, p.Pro453= (NM_053027.4); c.1309+634C>G (NM_053028.4, NM_053026.4).
Identifiers: ClinVar variation 513303 (VCV000513303.3), dbSNP rs200973568, ClinGen allele CA435306683.

ClinVar aggregate classification (germline): Likely benign. Review status: criteria provided, multiple submitters, no conflicts (2 of 4 stars). 2 submissions from 2 submitters: Likely benign (2). Last evaluated 2024-06-09.

Conditions:
Aortic aneurysm, familial thoracic 7 (AAT7). Also called: AORTIC DISSECTION, FAMILIAL, WITH OR WITHOUT AORTIC ANEURYSM. Identifiers: MedGen C3151077, MONDO:0013418, OMIM 613780.

gnomAD v4.1: 5 of 1,613,916 alleles (0.00031%); highest among the groups gnomAD compares: African/African-American, 0.0027%; no homozygotes.

Submissions (2):

Labcorp Genetics (formerly Invitae), Labcorp
Classification: Likely benign for Aortic aneurysm, familial thoracic 7. Last evaluated: 2024-06-09. Review status: criteria provided, single submitter. Criteria: Invitae Variant Classification Sherloc (09022015). Collection method: clinical testing. Allele origin: germline.

GeneDx
Classification: Likely benign. Last evaluated: 2017-11-16. Review status: criteria provided, single submitter. Criteria: GeneDx Variant Classification (06012015). Collection method: clinical testing. Allele origin: germline. Affected: yes.
Comment: This variant is considered likely benign or benign based on one or more of the following criteria: it is a conservative change, it occurs at a poorly conserved position in the protein, it is predicted to be benign by multiple in silico algorithms, and/or has population frequency not consistent with disease.